The following is an entry in ClinVar:

ClinVar aggregate classification (germline): Conflicting classifications of pathogenicity. Review status: criteria provided, conflicting classifications (1 of 4 stars). 2 submissions from 2 submitters: Uncertain significance (1); Likely benign (1). Last evaluated 2026-07-27.

Conditions:
Inborn genetic diseases. Identifiers: MedGen C0950123, MeSH D030342.

Allele frequency attached by ClinVar (database versions not stated): 1000 Genomes Project 30x 0.00047; 1000 Genomes Project 0.00060.
gnomAD v4.1: 24 of 1,613,894 alleles (0.0015%); highest among the groups gnomAD compares: South Asian, 0.025%; no homozygotes.

Submissions (2):

Ambry Genetics
Classification: Likely benign for Inborn genetic diseases. Last evaluated: 2026-07-27. Review status: criteria provided, single submitter. Criteria: Ambry Variant Classification Scheme 2023. Collection method: clinical testing. Allele origin: germline.

Labcorp Genetics (formerly Invitae), Labcorp
Classification: Uncertain significance. Last evaluated: 2022-06-19. Review status: criteria provided, single submitter. Criteria: Invitae Variant Classification Sherloc (09022015). Collection method: clinical testing. Allele origin: germline.
Comment: This sequence change replaces arginine, which is basic and polar, with glycine, which is neutral and non-polar, at codon 828 of the DENND5A protein (p.Arg828Gly). This variant is present in population databases (rs549657250, gnomAD 0.03%). This variant has not been reported in the literature in individuals affected with DENND5A-related conditions. Algorithms developed to predict the effect of missense changes on protein structure and function are either unavailable or do not agree on the potential impact of this missense change (SIFT: "Deleterious"; PolyPhen-2: "Benign"; Align-GVGD: "Class C0"). In summary, the available evidence is currently insufficient to determine the role of this variant in disease. Therefore, it has been classified as a Variant of Uncertain Significance.

NM_015213.4(DENND5A):c.2482C>G (p.Arg828Gly)

Gene: DENND5A (DENN domain containing 5A; minus strand). Cytogenetic location: 11p15.4.
Variant type: single nucleotide variant.
Coding change: c.2482C>G on transcript NM_015213.4 (MANE Select); coding-DNA position 2482, C replaced by G.
Protein change: p.Arg828Gly; replaces arginine 828 with glycine.
Molecular consequence: missense variant. On other transcripts: non-coding transcript variant (1).
Genome position (GRCh38, 1-based): chr11:9,152,397, G>C on the plus strand (C>G on the coding strand, the complement: DENND5A is on the minus strand). VCF-style: chr11-9152397-G-C. GRCh37 (hg19) VCF-style: chr11-9173944-G-C.
Other names: c.2482C>G, p.Arg828Gly (NM_001243254.2); c.2410C>G, p.Arg804Gly (NM_001348749.2); c.2194C>G, p.Arg732Gly (NM_001348750.2); c.2482C>G (NM_015213.3); short protein forms R828G, R732G, R804G.
Identifiers: ClinVar variation 1507631 (VCV001507631.4), dbSNP rs549657250, ClinGen allele CA5877324.